The following is an entry in ClinVar:

ClinVar aggregate classification (germline): Uncertain significance. Review status: criteria provided, multiple submitters, no conflicts (2 of 4 stars). 4 submissions from 2 submitters: Uncertain significance (4). Last evaluated 2025-12-15.

Conditions:
Pyropoikilocytosis, hereditary. Also called: Pyropoikilocytosis. Identifiers: MedGen C0520739, MONDO:0009948, OMIM 266140, HP:0004839. Disease mechanism: loss of function.
Hereditary spherocytosis type 3. Also called: Spherocytosis type 3; SPTA1-Related Spherocytosis. Identifiers: Orphanet 822, MedGen C2678338, MONDO:0010053, OMIM 270970.
Elliptocytosis 2 (EL2). Also called: ELLIPTOCYTOSIS, RHESUS-UNLINKED TYPE. Identifiers: Orphanet 288, MedGen C1851741, MONDO:0007533, OMIM 130600.

Allele frequency attached by ClinVar (database versions not stated): ExAC 0.00001; gnomAD 0.00001; gnomAD exomes 0.00001 and 0.00002; TOPMed 0.00002.
gnomAD v4.1: 17 of 1,613,608 alleles (0.0011%); highest among the groups gnomAD compares: Non-Finnish European, 0.0014%; no homozygotes.

Submissions (4):

Labcorp Genetics (formerly Invitae), Labcorp
Classification: Uncertain significance. Last evaluated: 2025-12-15. Review status: criteria provided, single submitter. Criteria: Invitae Variant Classification Sherloc (09022015). Collection method: clinical testing. Allele origin: germline.
Comment: This sequence change replaces histidine, which is basic and polar, with arginine, which is basic and polar, at codon 941 of the SPTA1 protein (p.His941Arg). This variant is present in population databases (rs751259397, gnomAD 0.004%). This variant has not been reported in the literature in individuals affected with SPTA1-related conditions. ClinVar contains an entry for this variant (Variation ID: 293006). Invitae Evidence Modeling of protein sequence and biophysical properties (such as structural, functional, and spatial information, amino acid conservation, physicochemical variation, residue mobility, and thermodynamic stability) has been performed for this missense variant. However, the output from this modeling did not meet the statistical confidence thresholds required to predict the impact of this variant on SPTA1 protein function. In summary, the available evidence is currently insufficient to determine the role of this variant in disease. Therefore, it has been classified as a Variant of Uncertain Significance.

Illumina Laboratory Services, Illumina
Classification: Uncertain significance for Hereditary spherocytosis type 3. Last evaluated: 2018-01-12. Review status: criteria provided, single submitter. Criteria: ICSL Variant Classification Criteria 13 December 2019. Collection method: clinical testing. Allele origin: germline.

Illumina Laboratory Services, Illumina
Classification: Uncertain significance for Elliptocytosis 2. Last evaluated: 2018-01-12. Review status: criteria provided, single submitter. Criteria: ICSL Variant Classification Criteria 13 December 2019. Collection method: clinical testing. Allele origin: germline.

Illumina Laboratory Services, Illumina
Classification: Uncertain significance for Pyropoikilocytosis, hereditary. Last evaluated: 2018-01-12. Review status: criteria provided, single submitter. Criteria: ICSL Variant Classification Criteria 13 December 2019. Collection method: clinical testing. Allele origin: germline.

NM_003126.4(SPTA1):c.2822A>G (p.His941Arg)

Gene: SPTA1 (spectrin alpha, erythrocytic 1; minus strand). Cytogenetic location: 1q23.1.
Variant type: single nucleotide variant.
Coding change: c.2822A>G on transcript NM_003126.4 (MANE Select); coding-DNA position 2822, A replaced by G.
Protein change: p.His941Arg; replaces histidine 941 with arginine.
Molecular consequence: missense variant.
Genome position (GRCh38, 1-based): chr1:158,656,640, T>C on the plus strand (A>G on the coding strand, the complement: SPTA1 is on the minus strand). VCF-style: chr1-158656640-T-C. GRCh37 (hg19) VCF-style: chr1-158626430-T-C.
Other names: short protein forms H941R.
Identifiers: ClinVar variation 293006 (VCV000293006.7), dbSNP rs751259397, ClinGen allele CA1183267.